The following is an entry in ClinVar:

ClinVar aggregate classification (germline): Likely pathogenic (1 of 4 stars; one submission).

Conditions:
Dilated cardiomyopathy 1G (CMD1G). Identifiers: Orphanet 154, MedGen C1858763, MONDO:0011400, OMIM 604145.
Autosomal recessive limb-girdle muscular dystrophy type 2J (LGMDR10). Also called: Limb-girdle muscular dystrophy, type 2J; MUSCULAR DYSTROPHY, LIMB-GIRDLE, AUTOSOMAL RECESSIVE 10. Identifiers: Orphanet 140922, MedGen C1837342, MONDO:0012127, OMIM 608807.

Submission:

Labcorp Genetics (formerly Invitae), Labcorp
Classification: Likely pathogenic for Dilated cardiomyopathy 1G; Autosomal recessive limb-girdle muscular dystrophy type 2J. Last evaluated: 2025-12-23. Review status: criteria provided, single submitter. Criteria: Invitae Variant Classification Sherloc (09022015). Collection method: clinical testing. Allele origin: germline.
Comment: This sequence change creates a premature translational stop signal (p.Leu35132Glnfs*7) in the TTN gene. While this is not anticipated to result in nonsense mediated decay, it is expected to create a truncated TTN protein. This variant is not present in population databases (gnomAD no frequency). This variant has not been reported in the literature in individuals affected with TTN-related conditions. This variant is located in the M band of TTN (PMID: 25589632). Truncating variants in this region have been previously reported in individuals affected with autosomal dominant or autosomal recessive myopathy and muscular dystrophy (PMID: 18948003, 23975875, 24395473). Truncating variants in this region have also been identified in individuals affected with autosomal dominant dilated cardiomyopathy and/or cardio-related conditions (PMID: 27869827, 32964742, internal data). In summary, the currently available evidence indicates that the variant is pathogenic, but additional data are needed to prove that conclusively. Therefore, this variant has been classified as Likely Pathogenic.

Literature cited by the submitters: PubMed 25589632; PubMed 18948003; PubMed 23975875; PubMed 24395473; PubMed 27869827; PubMed 32964742.

NM_001267550.2(TTN):c.105395del (p.Leu35132fs)

Genes: TTN (titin; minus strand), TTN-AS1 (TTN antisense RNA 1; plus strand). Cytogenetic location: 2q31.2.
Variant type: Deletion.
Coding change: c.105395del on transcript NM_001267550.2 (MANE Select); coding-DNA position 105395, one base deleted (T; older notation c.105395delT).
Protein change: p.Leu35132fs; shifts the reading frame from leucine 35132.
Molecular consequence: frameshift variant.
Genome position (GRCh38, 1-based): chr2:178,531,220, A deleted on the plus strand (T on the coding strand, the reverse complement: TTN is on the minus strand). VCF-style (leftmost placement, unchanged base first): chr2-178531219-TA-T. GRCh37 (hg19) VCF-style: chr2-179395946-TA-T.
Other names: c.100472del, p.Leu33491fs (NM_001256850.1); c.78200del, p.Leu26067fs (NM_003319.4); c.97691del, p.Leu32564fs (NM_133378.4); c.78575del, p.Leu26192fs (NM_133432.3); c.78776del, p.Leu26259fs (NM_133437.4); short protein forms L26067fs, L26192fs, L32564fs, L35132fs, L26259fs, L33491fs.
Identifiers: ClinVar variation 4784441 (VCV004784441.1).